The following is an entry in ClinVar:

NM_022765.4(MICAL1):c.1489A>G (p.Lys497Glu)

Gene: MICAL1 (microtubule associated monooxygenase, calponin and LIM domain containing 1; minus strand). Cytogenetic location: 6q21.
Variant type: single nucleotide variant.
Coding change: c.1489A>G on transcript NM_022765.4 (MANE Select); coding-DNA position 1489, A replaced by G.
Protein change: p.Lys497Glu; replaces lysine 497 with glutamic acid.
Molecular consequence: missense variant.
Genome position (GRCh38, 1-based): chr6:109,449,427, T>C on the plus strand (A>G on the coding strand, the complement: MICAL1 is on the minus strand). VCF-style: chr6-109449427-T-C. GRCh37 (hg19) VCF-style: chr6-109770630-T-C.
Other names: c.1231A>G, p.Lys411Glu (NM_001159291.2); c.1546A>G, p.Lys516Glu (NM_001286613.2); short protein forms K497E, K516E, K411E.
Identifiers: ClinVar variation 3639997 (VCV003639997.2).

ClinVar aggregate classification (germline): Uncertain significance (1 of 4 stars; one submission).

Submission:

Labcorp Genetics (formerly Invitae), Labcorp
Classification: Uncertain significance. Last evaluated: 2024-08-23. Review status: criteria provided, single submitter. Criteria: Invitae Variant Classification Sherloc (09022015). Collection method: clinical testing. Allele origin: germline.
Comment: This sequence change replaces lysine, which is basic and polar, with glutamic acid, which is acidic and polar, at codon 516 of the MICAL1 protein (p.Lys516Glu). This variant is not present in population databases (gnomAD no frequency). This variant has not been reported in the literature in individuals affected with MICAL1-related conditions. An algorithm developed to predict the effect of missense changes on protein structure and function outputs the following: PolyPhen-2: "Benign". The glutamic acid amino acid residue is found in multiple mammalian species, which suggests that this missense change does not adversely affect protein function. In summary, the available evidence is currently insufficient to determine the role of this variant in disease. Therefore, it has been classified as a Variant of Uncertain Significance.